The following is an entry in ClinVar:

NC_000006.12:g.32853755G>A

Gene: TAP1 (transporter 1, ATP binding cassette subfamily B member; minus strand). Cytogenetic location: 6p21.32.
Variant type: single nucleotide variant.
Genome position: GRCh38 VCF-style: chr6-32853755-G-A. GRCh37 (hg19) VCF-style: chr6-32821532-G-A.
Identifiers: ClinVar variation 1391249 (VCV001391249.8), dbSNP rs1001073856, ClinGen allele CA136998606.
Genomic context (GRCh38, chr6:32,853,755, plus strand): 5'-GGCCTGAAGCTCCGGGTACCGCCGAGTCCTCCCCTACTGGCGGCTGGGGGAGGGAACGAG[G>A]GCGGGGCTCTCGGAAAGTCCCAGGAACAGGCTGATCCTGCGCTGGCGAGAAGCTCAGCCA-3'

ClinVar aggregate classification (germline): Uncertain significance (1 of 4 stars; one submission).

Conditions:
MHC class I deficiency. Identifiers: Orphanet 34592, MedGen C6024714, MONDO:0011476.

Allele frequency attached by ClinVar (database versions not stated): gnomAD exomes below 0.00001; gnomAD 0.00001; TOPMed 0.00001.

Submission:

Labcorp Genetics (formerly Invitae), Labcorp
Classification: Uncertain significance for MHC class I deficiency 1. Last evaluated: 2020-11-10. Review status: criteria provided, single submitter. Criteria: Invitae Variant Classification Sherloc (09022015). Collection method: clinical testing. Allele origin: germline.
Comment: This sequence change replaces proline with leucine at codon 21 of the TAP1 protein (p.Pro21Leu). The proline residue is weakly conserved and there is a moderate physicochemical difference between proline and leucine. The frequency data for this variant in the population databases is considered unreliable, as metrics indicate insufficient coverage at this position in the ExAC database. This variant has not been reported in the literature in individuals with TAP1-related conditions. Algorithms developed to predict the effect of missense changes on protein structure and function are either unavailable or do not agree on the potential impact of this missense change (SIFT: "Tolerated"; PolyPhen-2: "Not Available"; Align-GVGD: "Class C0"). In summary, the available evidence is currently insufficient to determine the role of this variant in disease. Therefore, it has been classified as a Variant of Uncertain Significance.